The following is an entry in ClinVar:

NM_004766.3(COPB2):c.1276C>T (p.Pro426Ser)

Gene: COPB2 (COPI coat complex subunit beta 2; minus strand). Cytogenetic location: 3q23.
Variant type: single nucleotide variant.
Coding change: c.1276C>T on transcript NM_004766.3 (MANE Select); coding-DNA position 1276, C replaced by T.
Protein change: p.Pro426Ser; replaces proline 426 with serine.
Molecular consequence: missense variant. On other transcripts: non-coding transcript variant (1).
Genome position (GRCh38, 1-based): chr3:139,369,474, G>A on the plus strand (C>T on the coding strand, the complement: COPB2 is on the minus strand). VCF-style: chr3-139369474-G-A. GRCh37 (hg19) VCF-style: chr3-139088316-G-A.
Other names: c.1189C>T, p.Pro397Ser (NM_001410834.1); short protein forms P397S, P426S.
Identifiers: ClinVar variation 3378246 (VCV003378246.1).

ClinVar aggregate classification (germline): Uncertain significance (1 of 4 stars; one submission).

Submission:

GeneDx
Classification: Uncertain significance. Last evaluated: 2024-05-14. Review status: criteria provided, single submitter. Criteria: GeneDx Variant Classification Process June 2021. Collection method: clinical testing. Allele origin: germline. Affected: yes.
Comment: Not observed at significant frequency in large population cohorts (gnomAD); In silico analysis supports that this missense variant has a deleterious effect on protein structure/function; Has not been previously published as pathogenic or benign to our knowledge